The following is an entry in ClinVar:

ClinVar aggregate classification (germline): Uncertain significance (1 of 4 stars; one submission).

Conditions:
Hereditary pancreatitis (PCTT). Also called: PRSS1-Related Hereditary Pancreatitis; Hereditary chronic pancreatitis. Identifiers: Orphanet 676, MedGen C0238339, MONDO:0008185, OMIM 167800.

Submission:

Ambry Genetics
Classification: Uncertain significance for Hereditary pancreatitis. Last evaluated: 2022-04-30. Review status: criteria provided, single submitter. Criteria: Ambry Variant Classification Scheme 2023. Collection method: clinical testing. Allele origin: germline.
Comment: The p.H76Q variant (also known as c.228C>G), located in coding exon 3 of the PRSS1 gene, results from a C to G substitution at nucleotide position 228. The histidine at codon 76 is replaced by glutamine, an amino acid with highly similar properties. This amino acid position is conserved. In addition, the in silico prediction for this alteration is inconclusive. Since supporting evidence is limited at this time, the clinical significance of this alteration remains unclear.

NM_002769.5(PRSS1):c.228C>G (p.His76Gln)

Genes: PRSS1 (serine protease 1; plus strand), TRB (T cell receptor beta locus; plus strand). Cytogenetic location: 7q34.
Variant type: single nucleotide variant.
Coding change: c.228C>G on transcript NM_002769.5 (MANE Select); coding-DNA position 228, C replaced by G.
Protein change: p.His76Gln; replaces histidine 76 with glutamine.
Molecular consequence: missense variant. On other transcripts: non-coding transcript variant (2).
Genome position (GRCh38, 1-based): chr7:142,751,801, C>G. VCF-style: chr7-142751801-C-G. GRCh37 (hg19) VCF-style: chr7-142459652-C-G.
Other names: short protein forms H76Q.
Identifiers: ClinVar variation 1789069 (VCV001789069.2), dbSNP rs1254878660, ClinGen allele CA369608425.